The following is an entry in ClinVar:

ClinVar aggregate classification (germline): Pathogenic (1 of 4 stars; one submission).

Conditions:
Hereditary cancer-predisposing syndrome. Also called: Neoplastic Syndromes, Hereditary; Tumor predisposition; Hereditary Cancer Syndrome; Hereditary neoplastic syndrome. Identifiers: Orphanet 140162, MedGen C0027672, MeSH D009386, MONDO:0015356.

Submission:

Color Diagnostics, LLC DBA Color Health
Classification: Pathogenic for Hereditary cancer-predisposing syndrome. Last evaluated: 2022-01-31. Review status: criteria provided, single submitter. Criteria: ACMG Guidelines, 2015. Collection method: clinical testing. Allele origin: germline.
Comment: This variant deletes 11 nucleotides in exon 11 of the BRCA2 gene, creating a frameshift and premature translation stop signal. This variant is expected to result in an absent or non-functional protein product. To our knowledge, this variant has not been reported in individuals affected with hereditary cancer in the literature. This variant has not been identified in the general population by the Genome Aggregation Database (gnomAD). Loss of BRCA2 function is a known mechanism of disease. Based on the available evidence, this variant is classified as Pathogenic.

NM_000059.4(BRCA2):c.3961_3971del (p.Asp1321fs)

Gene: BRCA2 (BRCA2 DNA repair associated; plus strand). Cytogenetic location: 13q13.1.
Variant type: Deletion.
Coding change: c.3961_3971del on transcript NM_000059.4 (MANE Select); coding-DNA positions 3961 to 3971, 11 bases deleted (GATAACAAATA).
Protein change: p.Asp1321fs; shifts the reading frame from aspartic acid 1321.
Molecular consequence: frameshift variant. On other transcripts: non-coding transcript variant (1), intron variant (2).
Genome position (GRCh38, 1-based): chr13:32,338,316-32,338,326, GATAACAAATA deleted; deleting any 11 consecutive bases within chr13:32,338,315-32,338,326 gives the same sequence; the c. name uses the placement nearest the transcript's 3' end. VCF-style (leftmost placement, unchanged base first): chr13-32338314-AAGATAACAAAT-A. GRCh37 (hg19) VCF-style: chr13-32912451-AAGATAACAAAT-A.
Other names: c.3961_3971del, p.Asp1321fs (NM_001406719.1, NM_001406720.1); c.1909+4929_1909+4939del (NM_001406721.1); c.425-6242_425-6232del (NM_001406722.1); short protein forms D1321fs.
Identifiers: ClinVar variation 2774905 (VCV002774905.2), dbSNP rs2548527288, ClinGen allele CA2697551724.
Genomic context (GRCh38, chr13:32,338,314, plus strand): 5'-TGACTACTGGCACTTTTGTTGAAGAAATTACTGAAAATTACAAGAGAAATACTGAAAATG[AAGATAACAAAT>A]ATACTGCTGCCAGTAGAAATTCTCATAACTTAGAATTTGATGGCAGTGATTCAAGTAAAA-3'